The following is an entry in ClinVar:

ClinVar aggregate classification (germline): Benign/Likely benign. Review status: criteria provided, multiple submitters, no conflicts (2 of 4 stars). 4 submissions from 4 submitters: Benign (3); Likely benign (1). Last evaluated 2025-12-28.

Conditions:
Inborn genetic diseases. Identifiers: MedGen C0950123, MeSH D030342.
Infantile-onset X-linked spinal muscular atrophy. Also called: Spinal muscular atrophy, X-linked 2; AMC, DISTAL, X-LINKED; ARTHROGRYPOSIS, X-LINKED, TYPE I; SPINAL MUSCULAR ATROPHY, X-LINKED LETHAL INFANTILE; Spinal Muscular Atrophy, X-Linked Infantile. Identifiers: Orphanet 1145, MedGen C1844934, MONDO:0010532, OMIM 301830.

Allele frequency attached by ClinVar (database versions not stated): gnomAD exomes 0.00148; ExAC 0.00186; 1000 Genomes Project 30x 0.00395; 1000 Genomes Project 0.00397; gnomAD 0.00508 and 0.00548; TOPMed 0.00586; ESP Exome Variant Server 0.00634.
gnomAD v4.1: 1,181 of 1,210,213 alleles (0.098%); highest among the groups gnomAD compares: African/African-American, 1.9%; 11 homozygotes.

Submissions (4):

Labcorp Genetics (formerly Invitae), Labcorp
Classification: Benign for Infantile-onset X-linked spinal muscular atrophy. Last evaluated: 2025-12-28. Review status: criteria provided, single submitter. Criteria: Invitae Variant Classification Sherloc (09022015). Collection method: clinical testing. Allele origin: germline.

Ambry Genetics
Classification: Likely benign for Inborn genetic diseases. Last evaluated: 2019-07-11. Review status: criteria provided, single submitter. Criteria: Ambry Variant Classification Scheme 2023. Collection method: clinical testing. Allele origin: germline.

Illumina Laboratory Services, Illumina
Classification: Benign for Infantile-onset X-linked spinal muscular atrophy. Last evaluated: 2018-01-12. Review status: criteria provided, single submitter. Criteria: ICSL Variant Classification Criteria 13 December 2019. Collection method: clinical testing. Allele origin: germline.
Comment: This variant was observed in the ICSL laboratory as part of a predisposition screen in an ostensibly healthy population. It had not been previously curated by ICSL or reported in the Human Gene Mutation Database (HGMD: prior to June 1st, 2018), and was therefore a candidate for classification through an automated scoring system. Utilizing variant allele frequency, disease prevalence and penetrance estimates, and inheritance mode, an automated score was calculated to assess if this variant is too frequent to cause the disease. Based on the score and internal cut-off values, a variant classified as benign is not then subjected to further curation. The score for this variant resulted in a classification of benign for this disease.

GeneDx
Classification: Benign. Last evaluated: 2017-01-06. Review status: criteria provided, single submitter. Criteria: GeneDx Variant Classification (06012015). Collection method: clinical testing. Allele origin: germline. Affected: yes.
Comment: This variant is considered likely benign or benign based on one or more of the following criteria: it is a conservative change, it occurs at a poorly conserved position in the protein, it is predicted to be benign by multiple in silico algorithms, and/or has population frequency not consistent with disease.

NM_003334.4(UBA1):c.2364C>T (p.Ala788=)

Gene: UBA1 (ubiquitin like modifier activating enzyme 1; plus strand). Cytogenetic location: Xp11.3.
Variant type: single nucleotide variant.
Coding change: c.2364C>T on transcript NM_003334.4 (MANE Select); coding-DNA position 2364, C replaced by T.
Protein change: p.Ala788=; no amino-acid change (alanine 788 retained).
Molecular consequence: synonymous variant.
Genome position (GRCh38, 1-based): chrX:47,211,125, C>T. VCF-style: chrX-47211125-C-T. GRCh37 (hg19) VCF-style: chrX-47070524-C-T.
Other names: c.2364C>T, p.Ala788= (NM_153280.3).
Identifiers: ClinVar variation 368344 (VCV000368344.19), dbSNP rs2228658, ClinGen allele CA10396110.